The following is an entry in ClinVar:

ClinVar aggregate classification (germline): Pathogenic. Review status: criteria provided, single submitter (1 of 4 stars). 4 submissions from 4 submitters: Pathogenic (1). 3 of the submissions do not count toward it. Last evaluated 2021-06-02.

Conditions:
TRPS1-related disorder. Also called: TRPS1-related condition.
Trichorhinophalangeal dysplasia type I (TRPS1). Also called: TRPS I; TRICHORHINOPHALANGEAL SYNDROME, TYPE I. Identifiers: Orphanet 77258, MedGen C0432233, MONDO:0008596, OMIM 190350.

Submissions (4):

GeneDx
Classification: Pathogenic. Last evaluated: 2021-06-02. Review status: criteria provided, single submitter. Criteria: GeneDx Variant Classification Process June 2021. Collection method: clinical testing. Allele origin: germline. Affected: yes.
Comment: Nonsense variant predicted to result in protein truncation or nonsense mediated decay in a gene for which loss-of-function is a known mechanism of disease; Not observed at significant frequency in large population cohorts (Lek et al., 2016); This variant is associated with the following publications: (PMID: 27535533, 25792522, 10615131, 25525159)

PreventionGenetics, part of Exact Sciences
Classification: Pathogenic for TRPS1-related condition. Last evaluated: 2024-03-16. Review status: no assertion criteria provided. Collection method: clinical testing. Allele origin: germline. Not counted in ClinVar's aggregate classification.
Comment: The TRPS1 c.2557C>T variant is predicted to result in premature protein termination (p.Arg853*). This variant has been reported to be causative for Tricho-Rhino-Phalangeal syndrome I (Momeni et al. 2000. PubMed ID: 10615131, referred as p.Arg840*). This variant has not been reported in a large population database, indicating this variant is rare. Nonsense variants in TRPS1 are expected to be pathogenic. This variant is interpreted as pathogenic.

OMIM
Classification: Pathogenic for TRICHORHINOPHALANGEAL SYNDROME, TYPE I. Last evaluated: 2000-01-01. Review status: no assertion criteria provided. Collection method: literature only. Allele origin: germline. Not counted in ClinVar's aggregate classification.

GeneReviews
No classification provided. Condition: Trichorhinophalangeal dysplasia type I. Review status: no classification provided. Collection method: literature only. Allele origin: germline. Not counted in ClinVar's aggregate classification.

Literature cited by the submitters: PubMed 10615131 (cited by OMIM); PubMed 25792522 (cited by GeneReviews); NCBI Bookshelf NBK425926 (cited by GeneReviews).

NM_014112.5(TRPS1):c.2557C>T (p.Arg853Ter)

Gene: TRPS1 (transcriptional repressor GATA binding 1; minus strand). Cytogenetic location: 8q23.3.
Variant type: single nucleotide variant.
Coding change: c.2557C>T on transcript NM_014112.5 (MANE Select); coding-DNA position 2557, C replaced by T.
Protein change: p.Arg853Ter; replaces arginine 853 with a stop codon.
Molecular consequence: nonsense.
Genome position (GRCh38, 1-based): chr8:115,587,144, G>A on the plus strand (C>T on the coding strand, the complement: TRPS1 is on the minus strand). VCF-style: chr8-115587144-G-A. GRCh37 (hg19) VCF-style: chr8-116599371-G-A.
Other names: c.2530C>T, p.Arg844Ter (NM_001282902.3); c.2536C>T, p.Arg846Ter (NM_001282903.3); c.2518C>T, p.Arg840Ter (NM_001330599.2); short protein forms R853*, R846*, R844*.
Identifiers: ClinVar variation 5573 (VCV000005573.7), dbSNP rs121908432, ClinGen allele CA117608.